The following is an entry in ClinVar:

ClinVar aggregate classification (germline): Uncertain significance. Review status: criteria provided, multiple submitters, no conflicts (2 of 4 stars). 2 submissions from 2 submitters: Uncertain significance (2). Last evaluated 2025-11-13.

Conditions:
Inborn genetic diseases. Identifiers: MedGen C0950123, MeSH D030342.

Allele frequency attached by ClinVar (database versions not stated): ExAC 0.00001; gnomAD exomes 0.00001.
gnomAD v4.1: 3 of 1,596,560 alleles (0.00019%); highest among the groups gnomAD compares: Admixed American, 0.0055%; no homozygotes.

Submissions (2):

Labcorp Genetics (formerly Invitae), Labcorp
Classification: Uncertain significance. Last evaluated: 2025-11-13. Review status: criteria provided, single submitter. Criteria: Invitae Variant Classification Sherloc (09022015). Collection method: clinical testing. Allele origin: germline.
Comment: This sequence change replaces leucine, which is neutral and non-polar, with phenylalanine, which is neutral and non-polar, at codon 798 of the STAG1 protein (p.Leu798Phe). This variant is present in population databases (rs767563644, gnomAD 0.007%). This variant has not been reported in the literature in individuals affected with STAG1-related conditions. ClinVar contains an entry for this variant (Variation ID: 986280). Invitae Evidence Modeling of protein sequence and biophysical properties (such as structural, functional, and spatial information, amino acid conservation, physicochemical variation, residue mobility, and thermodynamic stability) indicates that this missense variant is not expected to disrupt STAG1 protein function with a negative predictive value of 80%. Algorithms developed to predict the effect of sequence changes on RNA splicing suggest that this variant may disrupt the consensus splice site. In summary, the available evidence is currently insufficient to determine the role of this variant in disease. Therefore, it has been classified as a Variant of Uncertain Significance.

Ambry Genetics
Classification: Uncertain significance for Inborn genetic diseases. Last evaluated: 2018-01-16. Review status: criteria provided, single submitter. Criteria: Ambry exome assertion method (8-5-2015). Collection method: clinical testing. Allele origin: germline. Affected: yes. Observed: 1 variant allele.

NM_005862.3(STAG1):c.2392C>T (p.Leu798Phe)

Gene: STAG1 (STAG1 cohesin complex component; minus strand). Cytogenetic location: 3q22.3.
Variant type: single nucleotide variant.
Coding change: c.2392C>T on transcript NM_005862.3 (MANE Select); coding-DNA position 2392, C replaced by T.
Protein change: p.Leu798Phe; replaces leucine 798 with phenylalanine.
Molecular consequence: missense variant.
Genome position (GRCh38, 1-based): chr3:136,369,261, G>A on the plus strand (C>T on the coding strand, the complement: STAG1 is on the minus strand). VCF-style: chr3-136369261-G-A. GRCh37 (hg19) VCF-style: chr3-136088103-G-A.
Other names: short protein forms L798F.
Identifiers: ClinVar variation 986280 (VCV000986280.4), dbSNP rs767563644, ClinGen allele CA2632582.